The following is an entry in ClinVar:

NM_006031.6(PCNT):c.2799C>A (p.Ser933=)

Gene: PCNT (pericentrin; plus strand). Cytogenetic location: 21q22.3.
Variant type: single nucleotide variant.
Coding change: c.2799C>A on transcript NM_006031.6 (MANE Select); coding-DNA position 2799, C replaced by A.
Protein change: p.Ser933=; no amino-acid change (serine 933 retained).
Molecular consequence: synonymous variant.
Genome position (GRCh38, 1-based): chr21:46,366,773, C>A. VCF-style: chr21-46366773-C-A. GRCh37 (hg19) VCF-style: chr21-47786688-C-A.
Other names: c.2445C>A, p.Ser815= (NM_001315529.2).
Identifiers: ClinVar variation 4988259 (VCV004988259.1).
Genomic context (GRCh38, chr21:46,366,773, plus strand): 5'-GTCAGTGACGGCGGAGCTCGAGGCCAGACACCAGGCCGCGTTGGGCGAGCTGACAGCCTC[C>A]TTAGAGAGCAAGCAGGGGGCTCTGCTGGCTGCACGTGTGGCCGAACTGCAGACAAAACAC-3'
Protein context (NP_006022.3, residues 923-943): HQAALGELTA[Ser933=]LESKQGALLA

ClinVar aggregate classification (germline): Likely benign (1 of 4 stars; one submission).

Conditions:
PCNT-related disorder. Also called: PCNT-related condition.

Submission:

PreventionGenetics, part of Exact Sciences
Classification: Likely benign for PCNT-related condition. Last evaluated: 2026-08-17. Review status: criteria provided, single submitter. Criteria: ACMG Guidelines, 2015. Collection method: clinical testing. Allele origin: germline.
Comment: This variant is classified as likely benign based on ACMG/AMP sequence variant interpretation guidelines (Richards et al. 2015 PMID: 25741868, with internal and published modifications).